The following is an entry in ClinVar:

NM_033380.3(COL4A5):c.875G>A (p.Gly292Glu)

Gene: COL4A5 (collagen type IV alpha 5 chain; plus strand). Cytogenetic location: Xq22.3.
Variant type: single nucleotide variant.
Coding change: c.875G>A on transcript NM_033380.3 (MANE Select); coding-DNA position 875, G replaced by A.
Protein change: p.Gly292Glu; replaces glycine 292 with glutamic acid.
Molecular consequence: missense variant.
Genome position (GRCh38, 1-based): chrX:108,580,722, G>A. VCF-style: chrX-108580722-G-A. GRCh37 (hg19) VCF-style: chrX-107823952-G-A.
Other names: c.875G>A, p.Gly292Glu (NM_000495.5); short protein forms G292E.
Identifiers: ClinVar variation 811376 (VCV000811376.8), dbSNP rs104886078, ClinGen allele CA413926404.

ClinVar aggregate classification (germline): Likely pathogenic (1 of 4 stars; one submission).

Conditions:
X-linked Alport syndrome (ATS1). Also called: NEPHROPATHY AND DEAFNESS, X-LINKED; COL4A5-Related Nephropathy. Identifiers: Orphanet 63, Orphanet 88917, MedGen C4746986, MONDO:0010520, OMIM 301050.

Submission:

ARUP Laboratories, Molecular Genetics and Genomics, ARUP Laboratories
Classification: Likely pathogenic for X-linked Alport syndrome. Last evaluated: 2019-04-06. Review status: criteria provided, single submitter. Criteria: ARUP Molecular Germline Variant Investigation Process. Collection method: clinical testing. Allele origin: germline.
Comment: The COL4A5 c.875G>A; p.Gly292Glu variant, to our knowledge, is not reported in the medical literature or gene specific databases. This variant is also absent from general population databases (1000 Genomes Project, Exome Variant Server, and Genome Aggregation Database), indicating it is not a common polymorphism. The glycine at codon 292 is highly conserved and computational analyses (PolyPhen-2, SIFT) predict that this variant is deleterious. Additionally, other variants at this codon (c.874G>C, p.Gly292Arg; c.875G>T, p.Gly292Val) have been reported in individuals with Alport syndrome and are considered pathogenic (Barker 2001, Heiskari 1996). Variants that create or remove a glycine are often pathogenic due to glycine repeats (Persikov 2004, Weerakkody 2016). Based on available information, the p.Gly292Glu variant is considered likely pathogenic. REFERENCES Barker et al. Efficient detection of Alport syndrome COL4A5 mutations with multiplex genomic PCR-SSCP. Am J Med Genet. 2001 Jan 15;98(2):148-60. Heiskari et al. Identification of 17 mutations in ten exons in the COL4A5 collagen gene, but no mutations found in four exons in COL4A6: a study of 250 patients with hematuria and suspected of having Alport syndrome. J Am Soc Nephrol. 1996 May;7(5):702-9. Persikov AV et al. Stability related bias in residues replacing glycines within the collagen triple helix (Gly-Xaa-Yaa) in inherited connective tissue disorders. Hum Mutat. 2004 Oct;24(4):330-7. Weerakkody RA et al. Targeted next-generation sequencing makes new molecular diagnoses and expands genotype-phenotype relationship in Ehlers-Danlos syndrome. Genet Med. 2016 Nov;18(11):1119-1127.